The following is an entry in ClinVar:

ClinVar aggregate classification (germline): Uncertain significance. Review status: criteria provided, multiple submitters, no conflicts (2 of 4 stars). 2 submissions from 2 submitters: Uncertain significance (2). Last evaluated 2024-12-09.

Conditions:
Inborn genetic diseases. Identifiers: MedGen C0950123, MeSH D030342.
Zellweger spectrum disorders (ZS). Also called: Zellweger Spectrum Disorder (ZSD); Zellweger Spectrum Disorder; Zellweger Spectrum; Zellweger syndrome. Identifiers: Orphanet 912, MedGen C0043459, MONDO:0019609.

Allele frequency attached by ClinVar (database versions not stated): TOPMed below 0.00001.

Submissions (2):

Ambry Genetics
Classification: Uncertain significance for Inborn genetic diseases. Last evaluated: 2024-12-09. Review status: criteria provided, single submitter. Criteria: Ambry Variant Classification Scheme 2023. Collection method: clinical testing. Allele origin: germline.

Labcorp Genetics (formerly Invitae), Labcorp
Classification: Uncertain significance for Zellweger spectrum disorders. Last evaluated: 2022-09-27. Review status: criteria provided, single submitter. Criteria: Invitae Variant Classification Sherloc (09022015). Collection method: clinical testing. Allele origin: germline.
Comment: In summary, the available evidence is currently insufficient to determine the role of this variant in disease. Therefore, it has been classified as a Variant of Uncertain Significance. Advanced modeling of protein sequence and biophysical properties (such as structural, functional, and spatial information, amino acid conservation, physicochemical variation, residue mobility, and thermodynamic stability) performed at Invitae indicates that this missense variant is not expected to disrupt PEX1 protein function. ClinVar contains an entry for this variant (Variation ID: 1039699). This variant has not been reported in the literature in individuals affected with PEX1-related conditions. This variant is not present in population databases (gnomAD no frequency). This sequence change replaces tyrosine, which is neutral and polar, with cysteine, which is neutral and slightly polar, at codon 152 of the PEX1 protein (p.Tyr152Cys).

NM_000466.3(PEX1):c.455A>G (p.Tyr152Cys)

Gene: PEX1 (peroxisomal biogenesis factor 1; minus strand). Cytogenetic location: 7q21.2.
Variant type: single nucleotide variant.
Coding change: c.455A>G on transcript NM_000466.3 (MANE Select); coding-DNA position 455, A replaced by G.
Protein change: p.Tyr152Cys; replaces tyrosine 152 with cysteine.
Molecular consequence: missense variant. On other transcripts: 5 prime UTR variant (1).
Genome position (GRCh38, 1-based): chr7:92,518,158, T>C on the plus strand (A>G on the coding strand, the complement: PEX1 is on the minus strand). VCF-style: chr7-92518158-T-C. GRCh37 (hg19) VCF-style: chr7-92147472-T-C.
Other names: c.455A>G, p.Tyr152Cys (NM_001282677.2); c.-170A>G (NM_001282678.2); c.455A>G (NM_000466.2); short protein forms Y152C.
Identifiers: ClinVar variation 1039699 (VCV001039699.9), dbSNP rs1792889273, ClinGen allele CA368202078.